The following is an entry in ClinVar:

ClinVar aggregate classification (germline): Uncertain significance (1 of 4 stars; one submission).

Conditions:
Epidermolysis bullosa simplex 3, localized or generalized intermediate, with BP230 deficiency (EBS3). Also called: Epidermolysis bullosa simplex due to BP230 deficiency; Epidermolysis bullosa simplex, autosomal recessive 2. Identifiers: Orphanet 412181, MedGen C3809470, MONDO:0014180, OMIM 615425.
Hereditary sensory and autonomic neuropathy type 6. Also called: HSAN VI; Neuropathy, hereditary sensory and autonomic, type VI. Identifiers: Orphanet 314381, MedGen C3539003, MONDO:0013839, OMIM 614653.

gnomAD v4.1: 1 of 1,614,054 alleles (0.000062%); highest among the groups gnomAD compares: Non-Finnish European, 0.000085%; no homozygotes.

Submission:

Labcorp Genetics (formerly Invitae), Labcorp
Classification: Uncertain significance for Epidermolysis bullosa simplex 3, localized or generalized intermediate, with BP230 deficiency; Hereditary sensory and autonomic neuropathy type 6. Last evaluated: 2024-07-16. Review status: criteria provided, single submitter. Criteria: Invitae Variant Classification Sherloc (09022015). Collection method: clinical testing. Allele origin: germline.
Comment: This sequence change replaces valine, which is neutral and non-polar, with isoleucine, which is neutral and non-polar, at codon 2200 of the DST protein (p.Val2200Ile). This variant is not present in population databases (gnomAD no frequency). This variant has not been reported in the literature in individuals affected with DST-related conditions. An algorithm developed to predict the effect of missense changes on protein structure and function (PolyPhen-2) suggests that this variant is likely to be tolerated. In summary, the available evidence is currently insufficient to determine the role of this variant in disease. Therefore, it has been classified as a Variant of Uncertain Significance.

NM_001723.7(DST):c.6598G>A (p.Val2200Ile)

Gene: DST (dystonin; minus strand). Cytogenetic location: 6p12.1.
Variant type: single nucleotide variant.
Coding change: c.6598G>A on transcript NM_001723.7 (MANE Plus Clinical); coding-DNA position 6598, G replaced by A.
Protein change: p.Val2200Ile; replaces valine 2200 with isoleucine.
Molecular consequence: missense variant. On other transcripts: intron variant (10).
Genome position (GRCh38, 1-based): chr6:56,616,869, C>T on the plus strand (G>A on the coding strand, the complement: DST is on the minus strand). VCF-style: chr6-56616869-C-T. GRCh37 (hg19) VCF-style: chr6-56481667-C-T.
Other names: c.4831-2385G>A (NM_001144769.5); c.4930-2385G>A (NM_001374722.1, NM_001374736.1); c.4957-2385G>A (NM_001374734.1); c.4417-2385G>A (NM_001144770.2); c.4297-2385G>A (NM_001374730.1, NM_001386100.1, NM_183380.4 and 1 more transcripts); c.3319-2385G>A (NM_015548.5); short protein forms V2200I.
Identifiers: ClinVar variation 3753469 (VCV003753469.2).